The following is an entry in ClinVar:

NM_007129.5(ZIC2):c.911G>A (p.Trp304Ter)

Gene: ZIC2 (Zic family zinc finger 2; plus strand). Cytogenetic location: 13q32.3.
Variant type: single nucleotide variant.
Coding change: c.911G>A on transcript NM_007129.5 (MANE Select); coding-DNA position 911, G replaced by A.
Protein change: p.Trp304Ter; replaces tryptophan 304 with a stop codon.
Molecular consequence: nonsense.
Genome position (GRCh38, 1-based): chr13:99,982,975, G>A. VCF-style: chr13-99982975-G-A. GRCh37 (hg19) VCF-style: chr13-100635229-G-A.
Other names: short protein forms W304*.
Identifiers: ClinVar variation 2023461 (VCV002023461.4), dbSNP rs2501545060, ClinGen allele CA388638367.

ClinVar aggregate classification (germline): Pathogenic (1 of 4 stars; one submission).

Conditions:
Holoprosencephaly 5 (HPE5). Identifiers: Orphanet 2162, MedGen C1864827, MONDO:0012322, OMIM 609637.

Submission:

Labcorp Genetics (formerly Invitae), Labcorp
Classification: Pathogenic for Holoprosencephaly 5. Last evaluated: 2021-12-02. Review status: criteria provided, single submitter. Criteria: Invitae Variant Classification Sherloc (09022015). Collection method: clinical testing. Allele origin: germline.
Comment: For these reasons, this variant has been classified as Pathogenic. Algorithms developed to predict the effect of sequence changes on RNA splicing suggest that this variant may create or strengthen a splice site. This variant has not been reported in the literature in individuals affected with ZIC2-related conditions. This variant is not present in population databases (gnomAD no frequency). This sequence change creates a premature translational stop signal (p.Trp304*) in the ZIC2 gene. It is expected to result in an absent or disrupted protein product. Loss-of-function variants in ZIC2 are known to be pathogenic (PMID: 19177455).

Literature cited by the submitters: PubMed 19177455.